The following is an entry in ClinVar:

ClinVar aggregate classification (germline): Conflicting classifications of pathogenicity. Review status: criteria provided, conflicting classifications (1 of 4 stars). 29 submissions from 29 submitters: Pathogenic (19); Uncertain significance (1). 9 of the submissions do not count toward it. Last evaluated 2026-07-15.

Conditions:
DNAI1-related disorders.
DNAI1-related disorder. Also called: DNAI1-related condition.
Inborn genetic diseases. Identifiers: MedGen C0950123, MeSH D030342.
Primary ciliary dyskinesia. Also called: Ciliary dyskinesia. Identifiers: Orphanet 244, MedGen C0008780, MONDO:0016575, HP:0012265.
Kartagener syndrome (CILD1). Also called: IMMOTILE CILIA SYNDROME; SIEWERT SYNDROME; CILIARY DYSKINESIA, PRIMARY, 1, WITH OR WITHOUT SITUS INVERSUS; POLYNESIAN BRONCHIECTASIS; Dextrocardia bronchiectasis and sinusitis; CILIARY DYSKINESIA, PRIMARY, 1. Identifiers: Orphanet 244, MedGen C4551906, MONDO:0009484, OMIM 244400.

Allele frequency attached by ClinVar (database versions not stated): gnomAD exomes 0.00040 and 0.00062; gnomAD 0.00045 and 0.00050; TOPMed 0.00048; ExAC 0.00046; ESP Exome Variant Server 0.00048.

Submissions 1 to 15 of 29:

PreventionGenetics, part of Exact Sciences
Classification: Pathogenic for DNAI1-related condition. Last evaluated: 2026-07-15. Review status: criteria provided, single submitter. Criteria: ACMG Guidelines, 2015. Collection method: clinical testing. Allele origin: germline.
Comment: The DNAI1 c.48+2dupT variant is predicted to result in an intronic duplication. This variant is a well-documented founder variant and known cause of autosomal recessive primary ciliary dyskinesia (PCD) and Kartagener syndrome (Pennarun et al. 1999. PubMed ID: 10577904; Zariwala et al. 2006. PubMed ID: 16858015; Failly et al. 2008. PubMed ID: 18434704). In the literature, this variant is also reported as IVS1+2_3insT or c.48+2_48+3insT. This variant is reported in 0.073% of alleles in individuals of European (Non-Finnish) descent in gnomAD. This variant is interpreted as pathogenic.

Department of Human Genetics, Hannover Medical School
Classification: Uncertain significance for Primary Ciliary Dyskinesia. Last evaluated: 2026-04-01. Review status: criteria provided, single submitter. Criteria: ACMG Guidelines, 2015. Collection method: research. Allele origin: germline. Affected: no.
Comment: Classification performed by HerediClassify using the following criteria:['PM2_supporting: Variant occures does not occur as homozygous in gnomAD.', 'PP3_splicing_supporting: Variant is predicted to have a splice effect by SpliceAI with evidence strength supporting.', "PP4_moderate: The PICADAR socre of 6.0 exceeds threshold of 6 achieving 'moderate' evidence strength."]

Labcorp Genetics (formerly Invitae), Labcorp
Classification: Pathogenic for Primary ciliary dyskinesia. Last evaluated: 2026-02-01. Review status: criteria provided, single submitter. Criteria: Invitae Variant Classification Sherloc (09022015). Collection method: clinical testing. Allele origin: germline.
Comment: This sequence change falls in intron 1 of the DNAI1 gene. It does not directly change the encoded amino acid sequence of the DNAI1 protein. RNA analysis indicates that this variant induces altered splicing and may result in an absent or altered protein product. This variant is present in population databases (rs755575751, gnomAD 0.07%), including at least one homozygous and/or hemizygous individual. This variant has been observed in individuals with primary ciliary dyskinesia (PMID: 10577904, 11231901, 16858015, 18434704). This variant is also known as c.48+2_48+3insT and IVS+2_3insT. ClinVar contains an entry for this variant (Variation ID: 5604). Variants that disrupt the consensus splice site are a relatively common cause of aberrant splicing (PMID: 17576681, 9536098). Studies have shown that this variant results in partial retention of intron 1, and produces a non-functional protein and/or introduces a premature termination codon (PMID: 10577904). For these reasons, this variant has been classified as Pathogenic.

Variantyx, Inc.
Classification: Pathogenic for Kartagener syndrome. Last evaluated: 2025-09-24. Review status: criteria provided, single submitter. Criteria: Variantyx Assertion Criteria 2022. Collection method: clinical testing. Allele origin: germline. Inheritance: Autosomal recessive inheritance. Affected: no.
Comment: This is a canonical splicing variant in the DNAI1 gene (OMIM: 604366). Pathogenic variants in this gene have been associated with autosomal recessive primary ciliary dyskinesia-1. This splicing variant is expected to result in loss of function, which is a known disease mechanism for DNAI1 in this disorder (PVS1). This variant has been identified in the homozygous or compound heterozygous state in multiple unrelated, affected individuals reported in the published literature (PMID: 16858015, 29363216, 18434704, 35753512) (PM3) and has a 0.0771% maximum allele frequency in non-founder control populations (PM2). Based on the current evidence, this variant is classified as pathogenic for autosomal recessive primary ciliary dyskinesia-1.

Centre for Clinical Genetics and Genomic Diagnostics, Zealand University Hospital
Classification: Pathogenic. Last evaluated: 2025-09-09. Review status: criteria provided, single submitter. Criteria: ACMG Guidelines, 2015. Collection method: clinical testing. Allele origin: germline. Affected: yes.
Comment: Compound heterozygous

Natera, Inc.
Classification: Pathogenic for Primary ciliary dyskinesia. Last evaluated: 2025-09-05. Review status: criteria provided, single submitter. Criteria: Natera Variant Classification Schema (03/2026). Collection method: clinical testing. Allele origin: germline.
Comment: The c.48+2dupT variant in DNAI1 is a canonical splice donor site variant predicted to affect pre-mRNA splicing, which may result in an abnormal transcript and altered protein product. This variant is rare in the general population with a frequency below the threshold expected for the associated phenotype(s). This variant has been observed in at least one unaffected individual, with a zygosity that is consistent with the inheritance pattern for the associated condition (in gnomAD and/or literature). This variant has been observed in one or more individuals affected with the associated recessive disease, as either homozygous or compound heterozygous with a second variant (PMID: 29363216). Computational prediction algorithms indicate this variant is likely to affect gene or protein function. Given the available evidence, this variant is classified as Pathogenic.

Blueprint Genetics
Classification: Pathogenic for DNAI1-related disorders. Last evaluated: 2024-10-09. Review status: criteria provided, single submitter. Criteria: ACMG Guidelines, 2015. Collection method: clinical testing. Allele origin: germline. Affected: yes. Observed: 5 variant alleles.

Fulgent Genetics
Classification: Pathogenic for Kartagener syndrome. Last evaluated: 2024-04-17. Review status: criteria provided, single submitter. Criteria: ACMG Guidelines, 2015. Collection method: clinical testing. Allele origin: germline.

Johns Hopkins Genomics, Johns Hopkins University
Classification: Pathogenic for Kartagener syndrome. Last evaluated: 2023-05-22. Review status: criteria provided, single submitter. Criteria: ACMG Guidelines, 2015. Collection method: clinical testing. Allele origin: germline.
Comment: This DNAI1 canonical splice variant has been reported in many individuals with primary ciliary dyskinesia 1. This variant (rs1435805945) is rare (<0.1%) in a large population dataset (gnomAD v2.1.1: 113/282694 total alleles; 0.04%; 1 homozygote), and has been reported in ClinVar4 (Variation ID 5604). This variant destroys a canonical donor site, is predicted to cause abnormal gene splicing and has supporting functional evidence. We consider c.48+2dup in DNAI1 to be pathogenic.

Laboratorio de Genetica e Diagnostico Molecular, Hospital Israelita Albert Einstein
Classification: Pathogenic for Kartagener syndrome. Last evaluated: 2022-09-21. Review status: criteria provided, single submitter. Criteria: ACMG Guidelines, 2015. Collection method: clinical testing. Allele origin: germline. Affected: yes. Observed: 1 variant allele.
Comment: ACMG classification criteria: PVS1 strong, PS3 supporting, PM2 moderated, PM3 very strong

Department of Pathology and Laboratory Medicine, Sinai Health System
Classification: Pathogenic for Kartagener syndrome. Last evaluated: 2022-04-12. Review status: criteria provided, single submitter. Criteria: ACMG Guidelines, 2015. Collection method: research. Allele origin: germline.

GeneDx
Classification: Pathogenic. Last evaluated: 2022-02-07. Review status: criteria provided, single submitter. Criteria: GeneDx Variant Classification Process June 2021. Collection method: clinical testing. Allele origin: germline. Affected: yes.
Comment: Canonical splice site variant demonstrated to result in loss-of-function (Pennarun et al., 1999) in a gene for which loss-of-function is a known mechanism of disease; This variant is associated with the following publications: (PMID: 20301301, 23477994, 11231901, 10577904, 26918822, 29363216, 18434704, 30290127, 16858015, 31772028, 31879361, 31980526, 33131162, 33726816, 27535533)

Revvity Omics, Revvity
Classification: Pathogenic for Kartagener syndrome. Last evaluated: 2021-12-14. Review status: criteria provided, single submitter. Criteria: ACMG Guidelines, 2015. Collection method: clinical testing. Allele origin: germline.

Genetic Services Laboratory, University of Chicago
Classification: Pathogenic. Last evaluated: 2021-09-28. Review status: criteria provided, single submitter. Criteria: ACMG Guidelines, 2015. Collection method: clinical testing. Allele origin: germline. Affected: yes.
Comment: This sequence change has been described in the gnomAD database with a frequency of 0.073% in the non-Finnish European subpopulation (dbSNP rs1435805945). This sequence change has previously been described in several individuals with DNAI1-related primary ciliary dyskinesia in both homozygous and compound heterozygous state (PMIDs: 16858015, 33131162, 10577904, and 18434704). Functional studies showed that this 1-bp insertion impacts RNA splicing (PMID: 10577904. c.48+2dup is a common founder mutation in primary ciliary dyskinesia (PMID: 16858015) and is also reported with alternative nomenclatures such as c.48+2_48+3insT and IVS+2_3insT in the literature.

UNC Molecular Genetics  Laboratory, University of North Carolina at Chapel Hill
Classification: Pathogenic for Primary ciliary dyskinesia. Last evaluated: 2020-10-02. Review status: criteria provided, single submitter. Criteria: ACMG Guidelines, 2015. Collection method: clinical testing. Allele origin: germline. Observed: 1 homozygote.

NM_012144.4(DNAI1):c.48+2dup

Gene: DNAI1 (dynein axonemal intermediate chain 1; plus strand). Cytogenetic location: 9p13.3.
Variant type: Duplication.
Coding change: c.48+2dup on transcript NM_012144.4 (MANE Select); the canonical splice donor site of the intron after coding-DNA position 48, one base duplicated (T; older notation c.48+2dupT).
Molecular consequence: splice donor variant.
Genome position (GRCh38, 1-based): chr9:34,459,055, T duplicated. VCF-style (leftmost placement, unchanged base first): chr9-34459054-G-GT. GRCh37 (hg19) VCF-style: chr9-34459052-G-GT.
Other names: IVS1+2_3insT; 219+3insT; c.48+2dupT (NM_012144.4, NM_001281428.1); c.48+2dup (NM_012144.3, NM_001281428.2).
Identifiers: ClinVar variation 5604 (VCV000005604.66), dbSNP rs397515363, ClinGen allele CA340437.